The following is an entry in ClinVar:

ClinVar aggregate classification (germline): Pathogenic/Likely pathogenic. Review status: criteria provided, multiple submitters, no conflicts (2 of 4 stars). 7 submissions from 7 submitters: Pathogenic (4); Likely pathogenic (1). 2 of the submissions do not count toward it. Last evaluated 2024-10-25.

Conditions:
VWF-related disorder. Also called: VWF-related disorders; VWF-related condition.
von Willebrand disease type 2 (VWD2). Also called: VON WILLEBRAND DISEASE, TYPE 2A/IIE; VON WILLEBRAND DISEASE, TYPE 2CB; VON WILLEBRAND DISEASE, TYPE II; VWD, TYPE 2. Identifiers: Orphanet 166081, Orphanet 903, MedGen C1264040, MONDO:0013304, OMIM 613554.
Hereditary von Willebrand disease. Identifiers: Orphanet 903, MedGen C5703318, MONDO:0019565. Inheritance: Autosomal recessive or Autosomal dominant.

Submissions (7):

PreventionGenetics, part of Exact Sciences
Classification: Pathogenic for VWF-related condition. Last evaluated: 2024-10-25. Review status: criteria provided, single submitter. Criteria: ACMG Guidelines, 2015. Collection method: clinical testing. Allele origin: germline.
Comment: The VWF c.4121G>T variant is predicted to result in the amino acid substitution p.Arg1374Leu. This variant, alternatively referred to as p.Arg611Leu using legacy nomenclature, has been reported in multiple individuals with von Willebrand disease (see for example, Meyer et al. 1997. PubMed ID: 9198195; Table S8, Borràs et al. 2017. PubMed ID: 28971901; Table S1, Maas et al. 2021. PubMed ID: 34758185). This variant has not been reported in a large population database (gnomAD), indicating it is rare. Alternate missense substitutions affecting the same amino acid (p.Arg1374Cys, p.Arg1374His, and p.Arg1374Ser) have been reported in individuals with von Willebrand disease (see for example, Corrales et al. 2009. PubMed ID: 19277422; Veyradier et al. 2016. PubMed ID: 26986123; Maas et al. 2022. PubMed ID: 35307943). In summary, the c.4121G>T (p.Arg1374Leu) variant is interpreted as pathogenic.

Mayo Clinic Laboratories, Mayo Clinic
Classification: Likely pathogenic. Last evaluated: 2024-08-16. Review status: criteria provided, single submitter. Criteria: ACMG Guidelines, 2015. Collection method: clinical testing. Allele origin: germline. Observed: 1 variant allele.
Comment: PP3, PP5, PM2, PM5, PS4_moderate

Women's Health and Genetics/Laboratory Corporation of America, LabCorp
Classification: Pathogenic for von Willebrand disorder. Last evaluated: 2023-09-12. Review status: criteria provided, single submitter. Criteria: LabCorp Variant Classification Summary - May 2015. Collection method: clinical testing. Allele origin: germline.
Comment: Variant summary: VWF c.4121G>T (p.Arg1374Leu) results in a non-conservative amino acid change located in a type A domain (IPR002035) of the encoded protein sequence. Five of five in-silico tools predict a damaging effect of the variant on protein function. The variant was absent in 250960 control chromosomes (gnomAD). c.4121G>T has been reported in the literature in multiple individuals affected with Von Willebrand Disease (e.g., Meyer_1997, Veyradier_2007, Gadisseur_2009, Veyradier_2016, Borras_2017, Kim_2019). These data indicate that the variant is very likely to be associated with disease. The following publications have been ascertained in the context of this evaluation (PMID: 28971901, 19506361, 9198195, 17408416, 26986123, 31240882). Two submitters have reported clinical-significance assessments for this variant to ClinVar after 2014. All submitters classified the variant as pathogenic/likely pathogenic. Based on the evidence outlined above, the variant was classified as pathogenic.

Quest Diagnostics Nichols Institute San Juan Capistrano
Classification: Pathogenic. Last evaluated: 2023-03-29. Review status: criteria provided, single submitter. Criteria: Quest Diagnostics criteria. Collection method: clinical testing. Allele origin: unknown.
Comment: This variant has not been reported in large, multi-ethnic general populations. In the published literature, the variant has been reported in individuals affected with von Willebrand Disease, Types 2A or 2M (PMIDs: 30046717 (2017), 26986123 (2016), 19277422 (2009), 17408416 (2007), 9198195 (1997)), and 2 other known pathogenic variants affect the same amino acid (PMID: 11843298 (2002)). Analysis of this variant using bioinformatics tools for the prediction of the effect of amino acid changes on protein structure and function yielded predictions that this variant is damaging. Based on the available information, this variant is classified as pathogenic.

Laboratory of Hematology, Radboud University Medical Center
Classification: Pathogenic for von Willebrand disease type 2. Last evaluated: 2020-12-10. Review status: criteria provided, single submitter. Criteria: ACMG Guidelines, 2015. Collection method: research. Allele origin: germline. Affected: yes. Observed: 1 variant allele. Study: WIN study.

Academic Unit of Haematology, University of Sheffield
No classification provided. Review status: no classification provided. Collection method: not provided. Allele origin: not provided. Not counted in ClinVar's aggregate classification.

ISTH-SSC Genomics in Thrombosis and Hemostasis, KU Leuven, Center for Molecular and Vascular Biology
Classification: Likely pathogenic for von Willebrand disorder. Review status: no assertion criteria provided. Collection method: research. Allele origin: unknown. Affected: yes. Not counted in ClinVar's aggregate classification.
Comment: Submitted to GoldVariant by Dr Karyn Mégy from NIHR Bioresource - Cambridge University, UK

Literature cited by the submitters: PubMed 22871923 (cited by Mayo Clinic Laboratories, Mayo Clinic); PubMed 26986123 (cited by 3 submitters); PubMed 28971901 (cited by Mayo Clinic Laboratories, Mayo Clinic and Women's Health and Genetics/Laboratory Corporation of America, LabCorp); PubMed 31240882 (cited by 3 submitters); PubMed 34758185 (cited by Mayo Clinic Laboratories, Mayo Clinic); PubMed 9198195 (cited by 3 submitters); PubMed 19506361 (cited by Women's Health and Genetics/Laboratory Corporation of America, LabCorp and Quest Diagnostics Nichols Institute San Juan Capistrano); PubMed 17408416 (cited by Women's Health and Genetics/Laboratory Corporation of America, LabCorp and Quest Diagnostics Nichols Institute San Juan Capistrano); PubMed 30046717 (cited by Quest Diagnostics Nichols Institute San Juan Capistrano); PubMed 35307943 (cited by Quest Diagnostics Nichols Institute San Juan Capistrano); PubMed 27443694 (cited by Quest Diagnostics Nichols Institute San Juan Capistrano); PubMed 11686104 (cited by Quest Diagnostics Nichols Institute San Juan Capistrano); PubMed 19277422 (cited by Quest Diagnostics Nichols Institute San Juan Capistrano).

NM_000552.5(VWF):c.4121G>T (p.Arg1374Leu)

Gene: VWF (von Willebrand factor; minus strand). Cytogenetic location: 12p13.31.
Variant type: single nucleotide variant.
Coding change: c.4121G>T on transcript NM_000552.5 (MANE Select); coding-DNA position 4121, G replaced by T.
Protein change: p.Arg1374Leu; replaces arginine 1374 with leucine.
Molecular consequence: missense variant.
Genome position (GRCh38, 1-based): chr12:6,019,297, C>A on the plus strand (G>T on the coding strand, the complement: VWF is on the minus strand). VCF-style: chr12-6019297-C-A. GRCh37 (hg19) VCF-style: chr12-6128463-C-A.
Other names: p.R1374L; c.4121G>T (NM_000552.4); short protein forms R1374L.
Identifiers: ClinVar variation 100331 (VCV000100331.8), dbSNP rs61750072, ClinGen allele CA228543.